The following is an entry in ClinVar:

NM_000094.4(COL7A1):c.3727C>T (p.Arg1243Trp)

Gene: COL7A1 (collagen type VII alpha 1 chain; minus strand). Cytogenetic location: 3p21.31.
Variant type: single nucleotide variant.
Coding change: c.3727C>T on transcript NM_000094.4 (MANE Select); coding-DNA position 3727, C replaced by T.
Protein change: p.Arg1243Trp; replaces arginine 1243 with tryptophan.
Molecular consequence: missense variant.
Genome position (GRCh38, 1-based): chr3:48,585,972, G>A on the plus strand (C>T on the coding strand, the complement: COL7A1 is on the minus strand). VCF-style: chr3-48585972-G-A. GRCh37 (hg19) VCF-style: chr3-48623405-G-A.
Other names: short protein forms R1243W.
Identifiers: ClinVar variation 1050076 (VCV001050076.6), dbSNP rs1189017197, ClinGen allele CA352702483.

ClinVar aggregate classification (germline): Likely benign. Review status: criteria provided, single submitter (1 of 4 stars). 2 submissions from 2 submitters: Likely benign (1). 1 of the submissions does not count toward it. Last evaluated 2025-02-19.

Allele frequency attached by ClinVar (database versions not stated): gnomAD 0.00001; gnomAD exomes 0.00001; TOPMed 0.00002.
gnomAD v4.1: 14 of 1,613,832 alleles (0.00087%); highest among the groups gnomAD compares: South Asian, 0.0055%; no homozygotes.

Submissions (2):

Labcorp Genetics (formerly Invitae), Labcorp
Classification: Likely benign. Last evaluated: 2025-02-19. Review status: criteria provided, single submitter. Criteria: Invitae Variant Classification Sherloc (09022015). Collection method: clinical testing. Allele origin: germline.

Department of Pathology and Laboratory Medicine, Sinai Health System
Classification: Uncertain significance. Review status: no assertion criteria provided. Collection method: clinical testing. Allele origin: unknown. Affected: yes. Study: The Canadian Open Genetics Repository (COGR). Not counted in ClinVar's aggregate classification.
Comment: The COL7A1 p.R1243W variant was not identified in the literature nor was it identified in ClinVar. The variant was identified in dbSNP (ID: rs1189017197) and in control databases in 3 of 251292 chromosomes at a frequency of 0.00001194 (Genome Aggregation Database March 6, 2019, v2.1.1). The variant was observed in the following populations: South Asian in 2 of 30616 chromosomes (freq: 0.000065) and Latino in 1 of 34588 chromosomes (freq: 0.000029), but was not observed in the African, Ashkenazi Jewish, East Asian, European (Finnish), European (non-Finnish), or Other populations. The p.R1243 residue is not conserved in mammals and computational analyses (PolyPhen-2, SIFT, MutationTaster, Revel, FATHMM, MetaLR, DANN) provide inconsistent predictions regarding the impact to the protein; this information is not very predictive of pathogenicity. The variant occurs outside of the splicing consensus sequence and in silico or computational prediction software programs (Splice AI exome) do not predict a difference in splicing. In summary, based on the above information the clinical significance of this variant cannot be determined with certainty at this time. This variant is classified as a variant of uncertain significance.